The following is an entry in ClinVar:

NM_000553.6(WRN):c.3899C>T (p.Pro1300Leu)

Gene: WRN (WRN RecQ like helicase; plus strand). Cytogenetic location: 8p12.
Variant type: single nucleotide variant.
Coding change: c.3899C>T on transcript NM_000553.6 (MANE Select); coding-DNA position 3899, C replaced by T.
Protein change: p.Pro1300Leu; replaces proline 1300 with leucine.
Molecular consequence: missense variant.
Genome position (GRCh38, 1-based): chr8:31,157,447, C>T. VCF-style: chr8-31157447-C-T. GRCh37 (hg19) VCF-style: chr8-31014963-C-T.
Other names: c.3899C>T (NM_000553.4); short protein forms P1300L.
Identifiers: ClinVar variation 1055270 (VCV001055270.6), dbSNP rs533336892, ClinGen allele CA4705203.

ClinVar aggregate classification (germline): Uncertain significance. Review status: criteria provided, multiple submitters, no conflicts (2 of 4 stars). 2 submissions from 2 submitters: Uncertain significance (2). Last evaluated 2025-11-23.

Conditions:
Inborn genetic diseases. Identifiers: MedGen C0950123, MeSH D030342.
Werner syndrome (WRN). Identifiers: Orphanet 902, MedGen C0043119, MONDO:0010196, OMIM 277700.

Allele frequency attached by ClinVar (database versions not stated): gnomAD 0.00001; gnomAD exomes 0.00001; ExAC 0.00002; 1000 Genomes Project 0.00020; 1000 Genomes Project 30x 0.00031.
gnomAD v4.1: 3 of 1,614,070 alleles (0.00019%); highest among the groups gnomAD compares: East Asian, 0.0067%; no homozygotes.

Submissions (2):

Ambry Genetics
Classification: Uncertain significance for Inborn genetic diseases. Last evaluated: 2025-11-23. Review status: criteria provided, single submitter. Criteria: Ambry Variant Classification Scheme 2023. Collection method: clinical testing. Allele origin: germline.

Labcorp Genetics (formerly Invitae), Labcorp
Classification: Uncertain significance for Werner syndrome. Last evaluated: 2024-05-20. Review status: criteria provided, single submitter. Criteria: Invitae Variant Classification Sherloc (09022015). Collection method: clinical testing. Allele origin: germline.
Comment: This sequence change replaces proline, which is neutral and non-polar, with leucine, which is neutral and non-polar, at codon 1300 of the WRN protein (p.Pro1300Leu). This variant is present in population databases (rs533336892, gnomAD 0.02%). This variant has not been reported in the literature in individuals affected with WRN-related conditions. ClinVar contains an entry for this variant (Variation ID: 1055270). An algorithm developed to predict the effect of missense changes on protein structure and function (PolyPhen-2) suggests that this variant is likely to be disruptive. In summary, the available evidence is currently insufficient to determine the role of this variant in disease. Therefore, it has been classified as a Variant of Uncertain Significance.